The following is an entry in ClinVar:

NM_000551.4(VHL):c.496G>T (p.Val166Phe)

Genes: VHL (von Hippel-Lindau tumor suppressor; plus strand), LOC107303340 (3p25 von Hippel-Lindau tumor suppressor, E3 ubiquitin protein ligase Alu-mediated recombination region; plus strand). Cytogenetic location: 3p25.3.
Variant type: single nucleotide variant.
Coding change: c.496G>T on transcript NM_000551.4 (MANE Select); coding-DNA position 496, G replaced by T.
Protein change: p.Val166Phe; replaces valine 166 with phenylalanine.
Molecular consequence: missense variant. On other transcripts: 3 prime UTR variant (1).
Genome position (GRCh38, 1-based): chr3:10,149,819, G>T. VCF-style: chr3-10149819-G-T. GRCh37 (hg19) VCF-style: chr3-10191503-G-T.
Other names: c.*50G>T (NM_001354723.2); c.373G>T, p.Val125Phe (NM_198156.3); short protein forms V166F, V125F.
Identifiers: ClinVar variation 2224 (VCV000002224.16), dbSNP rs104893825, ClinGen allele CA020436.

ClinVar aggregate classification (germline): Pathogenic. Review status: criteria provided, multiple submitters, no conflicts (2 of 4 stars). 4 submissions from 4 submitters: Pathogenic (3). 1 of the submissions does not count toward it. Last evaluated 2024-08-16.

Conditions:
Hereditary cancer-predisposing syndrome. Also called: Neoplastic Syndromes, Hereditary; Hereditary Cancer Syndrome; Tumor predisposition; Hereditary neoplastic syndrome. Identifiers: Orphanet 140162, MedGen C0027672, MeSH D009386, MONDO:0015356.
Chuvash polycythemia. Also called: POLYCYTHEMIA, VHL-DEPENDENT. Identifiers: Orphanet 238557, MedGen C1837915, MONDO:0009892, OMIM 263400.
Von Hippel-Lindau syndrome (VHLS). Also called: VHL syndrome; Von Hippel-Lindau; von Hippel–Lindau syndrome. Identifiers: Orphanet 892, MedGen C0019562, MONDO:0008667, OMIM 193300. Disease mechanism: loss of function.

Submissions (4):

Ambry Genetics
Classification: Pathogenic for Hereditary cancer-predisposing syndrome. Last evaluated: 2024-08-16. Review status: criteria provided, single submitter. Criteria: Ambry Variant Classification Scheme 2023. Collection method: clinical testing. Allele origin: germline.
Comment: The p.V166F pathogenic mutation (also known as c.496G>T), located in coding exon 3 of the VHL gene, results from a G to T substitution at nucleotide position 496. The valine at codon 166 is replaced by phenylalanine, an amino acid with highly similar properties. This variant has been observed in multiple individuals with a personal and/or family history that is consistent with von Hippel-Lindau syndrome (Gross DJ et al. J. Clin. Endocrinol. Metab. 1996 Jan; 81(1):147-9; Maher ER et al. J. Med. Genet. 1996 Apr; 33(4):328-32); Dollfus H et al. Invest. Ophthalmol. Vis. Sci. 2002 Sep; 43(9):3067-74; Cruz JB et al, Arq Bras Endocrinol Metabol 2007 Dec; 51(9):1463-7; Boedeker CC et al. J. Clin. Endocrinol. Metab. 2009 Jun; 94(6):1938-44; Nordstrom-O'Brien M et al. Hum. Mutat. 2010 May;31(5):521-37; Ambry internal data). In addition, in vitro experiments suggest that mutations affecting residue 166, such as p.V166F, lead to a partial loss of elongin-binding activity (Ohh M et al. J. Clin. Invest. 1999 Dec; 104(11):1583-91). Of note, this variant is also referred to as 709G>T in published literature. This amino acid position is well conserved in available vertebrate species. In addition, this alteration is predicted to be deleterious by in silico analysis. This variant is considered to be rare based on population cohorts in the Genome Aggregation Database (gnomAD). Based on the supporting evidence, this variant is interpreted as a disease-causing mutation.

Labcorp Genetics (formerly Invitae), Labcorp
Classification: Pathogenic for Von Hippel-Lindau syndrome; Chuvash polycythemia. Last evaluated: 2023-05-22. Review status: criteria provided, single submitter. Criteria: Invitae Variant Classification Sherloc (09022015). Collection method: clinical testing. Allele origin: germline.
Comment: For these reasons, this variant has been classified as Pathogenic. Advanced modeling of protein sequence and biophysical properties (such as structural, functional, and spatial information, amino acid conservation, physicochemical variation, residue mobility, and thermodynamic stability) performed at Invitae indicates that this missense variant is expected to disrupt VHL protein function. ClinVar contains an entry for this variant (Variation ID: 2224). This missense change has been observed in individuals with von Hippel-Lindau syndrome (PMID: 8550742, 19336503, 25720320; Invitae). It has also been observed to segregate with disease in related individuals. This variant is not present in population databases (gnomAD no frequency). This sequence change replaces valine, which is neutral and non-polar, with phenylalanine, which is neutral and non-polar, at codon 166 of the VHL protein (p.Val166Phe).

GeneDx
Classification: Pathogenic. Last evaluated: 2022-04-15. Review status: criteria provided, single submitter. Criteria: GeneDx Variant Classification Process June 2021. Collection method: clinical testing. Allele origin: germline. Affected: yes.
Comment: In silico analysis supports that this missense variant has a deleterious effect on protein structure/function; Not observed at significant frequency in large population cohorts (gnomAD); Also known as c.709G>T; p.V237F; This variant is associated with the following publications: (PMID: 24969085, 24155122, 8550742, 8730290, 9681856, 19336503, 25720320, 8956040, 10587522, 7728151, 33745191, 20151405, 9829912, 28650583, 32241160, 18209888, 10408776, 34439168, 32576040, 12202531)

OMIM
Classification: Pathogenic for VON HIPPEL-LINDAU SYNDROME. Last evaluated: 1996-01-01. Review status: no assertion criteria provided. Collection method: literature only. Allele origin: germline. Not counted in ClinVar's aggregate classification.

Literature cited by the submitters: PubMed 10587522 (cited by Ambry Genetics); PubMed 12202531 (cited by Ambry Genetics); PubMed 18209888 (cited by Ambry Genetics); PubMed 19336503 (cited by Ambry Genetics and Labcorp Genetics (formerly Invitae), Labcorp); PubMed 20151405 (cited by Ambry Genetics); PubMed 8550742 (cited by 3 submitters); PubMed 8730290 (cited by Ambry Genetics); PubMed 8956040 (cited by Ambry Genetics); PubMed 25720320 (cited by Labcorp Genetics (formerly Invitae), Labcorp).